The following is an entry in ClinVar:

ClinVar aggregate classification (germline): drug response (3 of 4 stars; one submission).

Conditions:
tacrolimus response - Metabolism/PK.

Allele frequency attached by ClinVar (database versions not stated): TOPMed 0.31440; 1000 Genomes Project 0.36322; 1000 Genomes Project 30x 0.37367; gnomAD 0.29362 and 0.29799.
gnomAD v4.1: 44,388 of 152,112 alleles (29%); highest among the groups gnomAD compares: African/African-American, 72%; 12,044 homozygotes.

Submission:

ClinPGx
Classification: drug response for tacrolimus response - Metabolism/PK. Last evaluated: 2021-03-24. Review status: reviewed by expert panel. Criteria: Pharmacogenomics knowledge for personalized medicine. Collection method: curation. Allele origin: germline. Affected: yes.
Comment: PharmGKB Level of Evidence 2A: Variants in Level 2A clinical annotations are found in PharmGKB’s Tier 1 Very Important Pharmacogenes (VIPs). These variants are in known pharmacogenes, implying causation of drug phenotype is more likely. These clinical annotations describe variant-drug combinations with a moderate level of evidence supporting the association. For example, the association may be found in multiple cohorts, but there may be a minority of studies that do not support the majority assertion. Level 2A clinical annotations must be supported by at least two independent publications.

Drug is not necessarily used to treat response condition

Literature cited by the submitters: PubMed 22108237; PubMed 24465960; PubMed 28112181; PubMed 29318894; PubMed 29454235; PubMed 31401678.

NM_017460.6(CYP3A4):c.671-202C>T

Gene: CYP3A4 (cytochrome P450 family 3 subfamily A member 4; minus strand). Cytogenetic location: 7q22.1.
Variant type: single nucleotide variant.
Coding change: c.671-202C>T on transcript NM_017460.6 (MANE Select); 202 bases into the intron before coding-DNA position 671, C replaced by T.
Molecular consequence: intron variant.
Genome position (GRCh38, 1-based): chr7:99,767,460, G>A on the plus strand (C>T on the coding strand, the complement: CYP3A4 is on the minus strand). VCF-style: chr7-99767460-G-A. GRCh37 (hg19) VCF-style: chr7-99365083-G-A.
Other names: c.671-205C>T (NM_001202855.3).
Identifiers: ClinVar variation 1327418 (VCV001327418.1), dbSNP rs4646437, ClinGen allele CA16309263.